The following is an entry in ClinVar:

NM_000548.5(TSC2):c.683dup (p.Tyr228Ter)

Gene: TSC2 (TSC complex subunit 2; plus strand). Cytogenetic location: 16p13.3.
Variant type: Duplication.
Coding change: c.683dup on transcript NM_000548.5 (MANE Select); coding-DNA position 683, one base duplicated (A; older notation c.683dupA).
Protein change: p.Tyr228Ter; replaces tyrosine 228 with a stop codon.
Molecular consequence: nonsense.
Genome position (GRCh38, 1-based): chr16:2,056,678, A duplicated. VCF-style (leftmost placement, unchanged base first): chr16-2056677-T-TA. GRCh37 (hg19) VCF-style: chr16-2106678-T-TA.
Other names: c.683dup, p.Tyr228Ter (NM_001363528.2, NM_001370404.1, NM_001114382.3 and 3 more transcripts); c.572dup, p.Tyr191Ter (NM_001318827.2); c.536dup, p.Tyr179Ter (NM_001318829.2); c.83dup, p.Tyr28Ter (NM_001318831.2); c.716dup, p.Tyr239Ter (NM_001318832.2); c.683dupA (NM_000548.3); short protein forms Y228*, Y28*, Y239*, Y179*, Y191*.
Identifiers: ClinVar variation 577845 (VCV000577845.8), dbSNP rs1567408314, ClinGen allele CA891844058.

ClinVar aggregate classification (germline): Pathogenic (1 of 4 stars; one submission).

Conditions:
Tuberous sclerosis 2 (TSC2). Identifiers: Orphanet 805, MedGen C1860707, MONDO:0013199, OMIM 613254.

Submission:

Labcorp Genetics (formerly Invitae), Labcorp
Classification: Pathogenic for Tuberous sclerosis 2. Last evaluated: 2018-02-26. Review status: criteria provided, single submitter. Criteria: Invitae Variant Classification Sherloc (09022015). Collection method: clinical testing. Allele origin: germline.
Comment: This sequence change creates a premature translational stop signal (p.Tyr228*) in the TSC2 gene. It is expected to result in an absent or disrupted protein product. For these reasons, this variant has been classified as Pathogenic. Loss-of-function variants in TSC2 are known to be pathogenic (PMID: 10205261, 17304050). This variant has not been reported in the literature in individuals with TSC2-related disease. However, a different variant (c.684C>A) giving rise to the same protein effect observed here (p.Tyr228*) has been reported in an individual affected with tuberous sclerosis complex (PMID: 21811971). This variant is not present in population databases (ExAC no frequency).

Literature cited by the submitters: PubMed 10205261; PubMed 17304050; PubMed 21811971.